The following is an entry in ClinVar:

ClinVar aggregate classification (germline): Pathogenic. Review status: criteria provided, single submitter (1 of 4 stars). 3 submissions from 3 submitters: Pathogenic (1). 2 of the submissions do not count toward it. Last evaluated 2019-11-18.

Conditions:
CFTR-related disorder (CFTR-RD). Also called: CFTR-related disorders; CFTR-related condition. Identifiers: MedGen C5924204, MONDO:7770004.
Cystic fibrosis (CF). Also called: MUCOVISCIDOSIS. Identifiers: Orphanet 586, MedGen C0010674, MONDO:0009061, OMIM 219700. Disease mechanism: loss of function.

Allele frequency attached by ClinVar (database versions not stated): gnomAD exomes below 0.00001.

Submissions (3):

Labcorp Genetics (formerly Invitae), Labcorp
Classification: Pathogenic for Cystic fibrosis. Last evaluated: 2019-11-18. Review status: criteria provided, single submitter. Criteria: Invitae Variant Classification Sherloc (09022015). Collection method: clinical testing. Allele origin: germline.
Comment: For these reasons, this variant has been classified as Pathogenic. Loss-of-function variants in CFTR are known to be pathogenic (PMID: 1695717, 7691345, 9725922). This variant has been observed in individual(s) with cystic fibrosis (PMID: 20059485). ClinVar contains an entry for this variant (Variation ID: 53208). This variant is not present in population databases (ExAC no frequency). This sequence change creates a premature translational stop signal (p.Val393*) in the CFTR gene. It is expected to result in an absent or disrupted protein product.

Natera, Inc.
Classification: Pathogenic for CFTR-related disorders. Last evaluated: 2017-03-17. Review status: no assertion criteria provided. Collection method: clinical testing. Allele origin: germline. Not counted in ClinVar's aggregate classification.

ClinVar Staff, National Center for Biotechnology Information (NCBI)
No classification provided. Condition: CFTR-related disorders. Review status: no classification provided. Collection method: literature only. Allele origin: germline. Affected: yes. Not counted in ClinVar's aggregate classification.

Literature cited by the submitters: PubMed 1695717 (cited by Labcorp Genetics (formerly Invitae), Labcorp); PubMed 7691345 (cited by Labcorp Genetics (formerly Invitae), Labcorp); PubMed 9725922 (cited by Labcorp Genetics (formerly Invitae), Labcorp); PubMed 20059485 (cited by Labcorp Genetics (formerly Invitae), Labcorp and ClinVar Staff, National Center for Biotechnology Information (NCBI)).

NM_000492.4(CFTR):c.1177del (p.Val392_Val393insTer)

Gene: CFTR (CF transmembrane conductance regulator; plus strand). Cytogenetic location: 7q31.2.
Variant type: Deletion.
Coding change: c.1177del on transcript NM_000492.4 (MANE Select); coding-DNA position 1177, one base deleted (G; older notation c.1177delG).
Protein change: p.Val392_Val393insTer.
Molecular consequence: nonsense.
Genome position (GRCh38, 1-based): chr7:117,542,076, G deleted. VCF-style (leftmost placement, unchanged base first): chr7-117542075-AG-A. GRCh37 (hg19) VCF-style: chr7-117182129-AG-A.
Other names: c.1177delG (NM_000492.3).
Identifiers: ClinVar variation 53208 (VCV000053208.10), dbSNP rs397508171, ClinGen allele CA326426.
Genomic context (GRCh38, chr7:117,542,075, plus strand): 5'-GGATTTCTTACAAAAGCAAGAATATAAGACATTGGAATATAACTTAACGACTACAGAAGT[AG>A]TGATGGAGAATGTAACAGCCTTCTGGGAGGAGGTCAGAATTTTTAAAAAATTGTTTGCTC-3'